The following is an entry in ClinVar:

NM_058216.3(RAD51C):c.856A>G (p.Met286Val)

Gene: RAD51C (RAD51 paralog C; plus strand). Cytogenetic location: 17q22.
Variant type: single nucleotide variant.
Coding change: c.856A>G on transcript NM_058216.3 (MANE Select); coding-DNA position 856, A replaced by G.
Protein change: p.Met286Val; replaces methionine 286 with valine.
Molecular consequence: missense variant. On other transcripts: non-coding transcript variant (1).
Genome position (GRCh38, 1-based): chr17:58,720,764, A>G. VCF-style: chr17-58720764-A-G. GRCh37 (hg19) VCF-style: chr17-56798125-A-G.
Other names: short protein forms M286V.
Identifiers: ClinVar variation 566453 (VCV000566453.14), dbSNP rs1567808196, ClinGen allele CA400359424.

ClinVar aggregate classification (germline): Conflicting classifications of pathogenicity. Review status: criteria provided, conflicting classifications (1 of 4 stars). 2 submissions from 2 submitters: Uncertain significance (1); Likely benign (1). Last evaluated 2025-11-05.

Conditions:
Fanconi anemia complementation group O. Also called: RAD51C-Related Fanconi Anemia. Identifiers: Orphanet 84, MedGen C3150653, MONDO:0013248, OMIM 613390.
Hereditary cancer-predisposing syndrome. Also called: Neoplastic Syndromes, Hereditary; Tumor predisposition; Hereditary Cancer Syndrome; Hereditary neoplastic syndrome. Identifiers: Orphanet 140162, MedGen C0027672, MeSH D009386, MONDO:0015356.

Submissions (2):

Labcorp Genetics (formerly Invitae), Labcorp
Classification: Uncertain significance for Fanconi anemia complementation group O. Last evaluated: 2025-11-05. Review status: criteria provided, single submitter. Criteria: Invitae Variant Classification Sherloc (09022015). Collection method: clinical testing. Allele origin: germline.
Comment: This sequence change replaces methionine, which is neutral and non-polar, with valine, which is neutral and non-polar, at codon 286 of the RAD51C protein (p.Met286Val). This variant is not present in population databases (gnomAD no frequency). This variant has not been reported in the literature in individuals affected with RAD51C-related conditions. ClinVar contains an entry for this variant (Variation ID: 566453). Invitae Evidence Modeling of protein sequence and biophysical properties (such as structural, functional, and spatial information, amino acid conservation, physicochemical variation, residue mobility, and thermodynamic stability) indicates that this missense variant is not expected to disrupt RAD51C protein function with a negative predictive value of 80%. In summary, the available evidence is currently insufficient to determine the role of this variant in disease. Therefore, it has been classified as a Variant of Uncertain Significance.

Ambry Genetics
Classification: Likely benign for Hereditary cancer-predisposing syndrome. Last evaluated: 2025-10-09. Review status: criteria provided, single submitter. Criteria: Ambry Variant Classification Scheme 2023. Collection method: clinical testing. Allele origin: germline.